The following is an entry in ClinVar:

ClinVar aggregate classification (germline): Pathogenic. Review status: criteria provided, single submitter (1 of 4 stars). 2 submissions from 2 submitters: Pathogenic (1). 1 of the submissions does not count toward it. Last evaluated 2018-06-15.

Conditions:
Tuberous sclerosis syndrome (TSC). Also called: Tuberous Sclerosis Complex; Tuberous sclerosis. Identifiers: Orphanet 805, MedGen C0041341, MONDO:0001734.

Submissions (2):

GeneDx
Classification: Pathogenic. Last evaluated: 2018-06-15. Review status: criteria provided, single submitter. Criteria: GeneDx Variant Classification (06012015). Collection method: clinical testing. Allele origin: germline. Affected: yes.
Comment: The Q710X nonsense variant in the TSC1 gene was previously identified in a patient with tuberoussclerosis (LOVD TSC1 Database; Sancak et al., 2005). This pathogenic variant is predicted to causeloss of normal protein function either through protein truncation or nonsense-mediated mRNA decay. The Q710X variant is not observed in large population cohorts (Lek et al., 2016; 1000 GenomesConsortium et al., 2015; Exome Variant Server).

Tuberous sclerosis database (TSC1)
No classification provided. Condition: TSC. Review status: no classification provided. Criteria: Tuberous Sclerosis Database Assertion Criteria 2015. Collection method: curation. Allele origin: germline. Affected: yes. Not counted in ClinVar's aggregate classification.

NM_000368.5(TSC1):c.2128C>T (p.Gln710Ter)

Gene: TSC1 (TSC complex subunit 1; minus strand). Cytogenetic location: 9q34.13.
Variant type: single nucleotide variant.
Coding change: c.2128C>T on transcript NM_000368.5 (MANE Select); coding-DNA position 2128, C replaced by T.
Protein change: p.Gln710Ter; replaces glutamine 710 with a stop codon.
Molecular consequence: nonsense.
Genome position (GRCh38, 1-based): chr9:132,903,731, G>A on the plus strand (C>T on the coding strand, the complement: TSC1 is on the minus strand). VCF-style: chr9-132903731-G-A. GRCh37 (hg19) VCF-style: chr9-135779118-G-A.
Other names: c.2125C>T, p.Gln709Ter (NM_001162426.2); c.1975C>T, p.Gln659Ter (NM_001162427.2); c.1765C>T, p.Gln589Ter (NM_001362177.2); short protein forms Q710*, Q709*, Q589*, Q659*.
Identifiers: ClinVar variation 64830 (VCV000064830.3), dbSNP rs397514874, ClinGen allele CA006060.